The following is an entry in ClinVar:

ClinVar aggregate classification (germline): Pathogenic (1 of 4 stars; one submission).

Conditions:
Primary ciliary dyskinesia. Also called: Ciliary dyskinesia. Identifiers: Orphanet 244, MedGen C0008780, MONDO:0016575, HP:0012265.

Allele frequency attached by ClinVar (database versions not stated): TOPMed below 0.00001; gnomAD 0.00001; gnomAD exomes 0.00001.
gnomAD v4.1: 5 of 1,550,568 alleles (0.00032%); highest among the groups gnomAD compares: Non-Finnish European, 0.00044%; no homozygotes.

Submission:

Labcorp Genetics (formerly Invitae), Labcorp
Classification: Pathogenic for Primary ciliary dyskinesia. Last evaluated: 2023-12-14. Review status: criteria provided, single submitter. Criteria: Invitae Variant Classification Sherloc (09022015). Collection method: clinical testing. Allele origin: germline.
Comment: This sequence change creates a premature translational stop signal (p.Gln14*) in the CCDC114 gene. It is expected to result in an absent or disrupted protein product. Loss-of-function variants in CCDC114 are known to be pathogenic (PMID: 23261302, 23261303). This variant is not present in population databases (gnomAD no frequency). This variant has not been reported in the literature in individuals affected with CCDC114-related conditions. ClinVar contains an entry for this variant (Variation ID: 2154237). Algorithms developed to predict the effect of sequence changes on RNA splicing suggest that this variant may disrupt the consensus splice site. For these reasons, this variant has been classified as Pathogenic.

Literature cited by the submitters: PubMed 23261302; PubMed 23261303.

NM_001364171.2(ODAD1):c.151C>T (p.Gln51Ter)

Gene: ODAD1 (outer dynein arm docking complex subunit 1; minus strand). Cytogenetic location: 19q13.33.
Variant type: single nucleotide variant.
Coding change: c.151C>T on transcript NM_001364171.2 (MANE Select); coding-DNA position 151, C replaced by T.
Protein change: p.Gln51Ter; replaces glutamine 51 with a stop codon.
Molecular consequence: nonsense.
Genome position (GRCh38, 1-based): chr19:48,318,732, G>A on the plus strand (C>T on the coding strand, the complement: ODAD1 is on the minus strand). VCF-style: chr19-48318732-G-A. GRCh37 (hg19) VCF-style: chr19-48821989-G-A.
Other names: c.40C>T, p.Gln14Ter (NM_144577.4); short protein forms Q51*, Q14*.
Identifiers: ClinVar variation 2154237 (VCV002154237.4), dbSNP rs1357552630, ClinGen allele CA406666498.